The following is an entry in ClinVar:

NM_031475.3(ESPN):c.1274T>C (p.Ile425Thr)

Gene: ESPN (espin; plus strand). Cytogenetic location: 1p36.31.
Variant type: single nucleotide variant.
Coding change: c.1274T>C on transcript NM_031475.3 (MANE Select); coding-DNA position 1274, T replaced by C.
Protein change: p.Ile425Thr; replaces isoleucine 425 with threonine.
Molecular consequence: missense variant.
Genome position (GRCh38, 1-based): chr1:6,445,745, T>C. VCF-style: chr1-6445745-T-C. GRCh37 (hg19) VCF-style: chr1-6505805-T-C.
Other names: c.1274T>C, p.Ile425Thr (NM_001367473.1, NM_001367474.1); c.1274T>C (NM_031475.2); short protein forms I425T.
Identifiers: ClinVar variation 1660835 (VCV001660835.10), dbSNP rs548336753, ClinGen allele CA560176.
Genomic context (GRCh38, chr1:6,445,745, plus strand): 5'-CAGACATACAGAGCTACATGGACATGCTGAACCCGGAGCTGGGCCTGCCTCGGGGCACGA[T>C]TGGGAAGCCCACACCCCCACCACCCCCACCCAGCTTCCCCCCGCCACCCCCGCCCCCAGG-3'
Protein context (NP_113663.2, residues 415-435): NPELGLPRGT[Ile425Thr]GKPTPPPPPP

ClinVar aggregate classification (germline): Likely benign. Review status: criteria provided, multiple submitters, no conflicts (2 of 4 stars). 3 submissions from 3 submitters: Likely benign (3). Last evaluated 2025-09-10.

Conditions:
ESPN-related disorder. Also called: ESPN-related condition.

Allele frequency attached by ClinVar (database versions not stated): gnomAD 0.00006 and 0.00007; gnomAD exomes 0.00006 and 0.00022; TOPMed 0.00007; ExAC 0.00016; 1000 Genomes Project 0.00040; 1000 Genomes Project 30x 0.00047.
gnomAD v4.1: 102 of 1,605,706 alleles (0.0064%); highest among the groups gnomAD compares: East Asian, 0.16%; no homozygotes.

Submissions (3):

Labcorp Genetics (formerly Invitae), Labcorp
Classification: Likely benign. Last evaluated: 2025-09-10. Review status: criteria provided, single submitter. Criteria: Invitae Variant Classification Sherloc (09022015). Collection method: clinical testing. Allele origin: germline.

PreventionGenetics, part of Exact Sciences
Classification: Likely benign for ESPN-related condition. Last evaluated: 2024-12-23. Review status: criteria provided, single submitter. Criteria: ACMG Guidelines, 2015. Collection method: clinical testing. Allele origin: germline.
Comment: This variant is classified as likely benign based on ACMG/AMP sequence variant interpretation guidelines (Richards et al. 2015 PMID: 25741868, with internal and published modifications).

Blueprint Genetics
Classification: Likely benign. Last evaluated: 2024-11-04. Review status: criteria provided, single submitter. Criteria: ACMG Guidelines, 2015. Collection method: clinical testing. Allele origin: germline.